The following is an entry in ClinVar:

ClinVar aggregate classification (germline): Likely benign. Review status: criteria provided, single submitter (1 of 4 stars). 2 submissions from 2 submitters: Likely benign (1). 1 of the submissions does not count toward it. Last evaluated 2022-12-19.

Conditions:
ERBB4-related disorder. Also called: ERBB4-related condition.

Allele frequency attached by ClinVar (database versions not stated): ESP Exome Variant Server 0.00008; TOPMed 0.00002.
gnomAD v4.1: 21 of 1,613,998 alleles (0.0013%); highest among the groups gnomAD compares: Middle Eastern, 0.016%; no homozygotes.

Submissions (2):

Labcorp Genetics (formerly Invitae), Labcorp
Classification: Likely benign. Last evaluated: 2022-12-19. Review status: criteria provided, single submitter. Criteria: Invitae Variant Classification Sherloc (09022015). Collection method: clinical testing. Allele origin: germline.

PreventionGenetics, part of Exact Sciences
Classification: Likely benign for ERBB4-related condition. Last evaluated: 2024-03-23. Review status: no assertion criteria provided. Collection method: clinical testing. Allele origin: germline. Not counted in ClinVar's aggregate classification.
Comment: This variant is classified as likely benign based on ACMG/AMP sequence variant interpretation guidelines (Richards et al. 2015 PMID: 25741868, with internal and published modifications).

NM_005235.3(ERBB4):c.3708G>A (p.Ala1236=)

Gene: ERBB4 (erb-b2 receptor tyrosine kinase 4; minus strand). Cytogenetic location: 2q34.
Variant type: single nucleotide variant.
Coding change: c.3708G>A on transcript NM_005235.3 (MANE Select); coding-DNA position 3708, G replaced by A.
Protein change: p.Ala1236=; no amino-acid change (alanine 1236 retained).
Molecular consequence: synonymous variant.
Genome position (GRCh38, 1-based): chr2:211,383,834, C>T on the plus strand (G>A on the coding strand, the complement: ERBB4 is on the minus strand). VCF-style: chr2-211383834-C-T. GRCh37 (hg19) VCF-style: chr2-212248559-C-T.
Other names: c.3660G>A, p.Ala1220= (NM_001042599.2).
Identifiers: ClinVar variation 742282 (VCV000742282.9), dbSNP rs144821497, ClinGen allele CA2087376.
Genomic context (GRCh38, chr2:211,383,834, plus strand): 5'-TGGGTGCTGAAGGGTGCTCCGAGGTGGCAGGCTGTGGTTCCAGTAGTCAGGGTTGTCAAA[C>T]GCTTTCTTGGCCTTCTCTGGCATTGACAGTATGTTGTTCTTCAGGTACTCAGCTTTTCCC-3'
Protein context (NP_005226.1, residues 1226-1246): ILSMPEKAKK[Ala1236=]FDNPDYWNHS